The following is an entry in ClinVar:

NM_002637.4(PHKA1):c.656G>A (p.Gly219Asp)

Gene: PHKA1 (phosphorylase kinase regulatory subunit alpha 1; minus strand). Cytogenetic location: Xq13.1.
Variant type: single nucleotide variant.
Coding change: c.656G>A on transcript NM_002637.4 (MANE Select); coding-DNA position 656, G replaced by A.
Protein change: p.Gly219Asp; replaces glycine 219 with aspartic acid.
Molecular consequence: missense variant.
Genome position (GRCh38, 1-based): chrX:72,667,436, C>T on the plus strand (G>A on the coding strand, the complement: PHKA1 is on the minus strand). VCF-style: chrX-72667436-C-T. GRCh37 (hg19) VCF-style: chrX-71887286-C-T.
Other names: c.656G>A, p.Gly219Asp (NM_001122670.2, NM_001172436.2, NM_001431068.1); short protein forms G219D.
Identifiers: ClinVar variation 3678230 (VCV003678230.2).
Genomic context (GRCh38, chrX:72,667,436, plus strand): 5'-TGGCAGTGCTGTACTTCATCAGCCAGGACATGGATAACTGATTGAGGCCCACCTTTCACA[C>T]CAAACAGATCCAGTTCATCTAATGCTTCCAGGGCTGCCTGTGAGGAACAAGAAAGAAATG-3'
Protein context (NP_002628.2, residues 209-229): LEALDELDLF[Gly219Asp]VKGGPQSVIH

ClinVar aggregate classification (germline): Uncertain significance (1 of 4 stars; one submission).

Conditions:
Glycogen storage disease IXd (GSD9D). Also called: GSD IXd; Muscle Phosphorylase Kinase Deficiency. Identifiers: Orphanet 715, MedGen C1845151, MONDO:0010362, OMIM 300559.

Submission:

Labcorp Genetics (formerly Invitae), Labcorp
Classification: Uncertain significance for Glycogen storage disease IXd. Last evaluated: 2024-06-13. Review status: criteria provided, single submitter. Criteria: Invitae Variant Classification Sherloc (09022015). Collection method: clinical testing. Allele origin: germline.
Comment: This sequence change replaces glycine, which is neutral and non-polar, with aspartic acid, which is acidic and polar, at codon 219 of the PHKA1 protein (p.Gly219Asp). This variant is not present in population databases (gnomAD no frequency). This variant has not been reported in the literature in individuals affected with PHKA1-related conditions. Advanced modeling of protein sequence and biophysical properties (such as structural, functional, and spatial information, amino acid conservation, physicochemical variation, residue mobility, and thermodynamic stability) performed at Invitae indicates that this missense variant is expected to disrupt PHKA1 protein function with a positive predictive value of 80%. In summary, the available evidence is currently insufficient to determine the role of this variant in disease. Therefore, it has been classified as a Variant of Uncertain Significance.